The following is an entry in ClinVar:

ClinVar aggregate classification (germline): Pathogenic/Likely pathogenic. Review status: criteria provided, multiple submitters, no conflicts (2 of 4 stars). 3 submissions from 3 submitters: Pathogenic (1); Likely pathogenic (1). 1 of the submissions does not count toward it. Last evaluated 2024-10-13.

Conditions:
Retinitis pigmentosa 1 (RP1). Identifiers: Orphanet 791, MedGen C0220701, MONDO:0008377, OMIM 180100.
Autosomal recessive retinitis pigmentosa. Identifiers: MedGen C0339526.

Submissions (3):

Genomic Medicine Center of Excellence, King Faisal Specialist Hospital and Research Centre
Classification: Likely pathogenic for Retinitis pigmentosa 1. Last evaluated: 2024-10-13. Review status: criteria provided, single submitter. Criteria: ACMG Guidelines, 2015. Collection method: clinical testing. Allele origin: germline.
Comment: This sequence change creates a premature translational stop signal (GRCh38; NM_006269.2:c.3428del:p.Asn1143IlefsTer25) in the RP1 protein. This alteration is expected to result in loss of function by premature termination codon resulting in protein truncation, or nonsense-mediated mRNA decay. This alteration is interpreted as disease-causing mutation, a commonly known mechanism for disease. Not observed at significant frequency in large population cohorts (gnomAD). ClinVar contains an entry for this variant (Variation ID: 979006). This variant is associated with the following publications: PubMed: 23105016, 22317909, 26355662 In summary, this variant meets our criteria for classification as Likely pathogenic based on the evidence outlined

Revvity Omics, Revvity
Classification: Pathogenic for Retinitis pigmentosa 1. Last evaluated: 2020-09-02. Review status: criteria provided, single submitter. Criteria: ACMG Guidelines, 2015. Collection method: clinical testing. Allele origin: germline.

Faculty of Health Sciences, Beirut Arab University
Classification: Pathogenic for Autosomal recessive Retinitis Pigmentosa. Last evaluated: 2015-09-10. Review status: no assertion criteria provided. Collection method: literature only. Allele origin: germline. Affected: yes. Observed: 16 variant alleles. Not counted in ClinVar's aggregate classification.

Literature cited by the submitters: PubMed 26355662 (cited by Faculty of Health Sciences, Beirut Arab University); PubMed 23105016 (cited by Faculty of Health Sciences, Beirut Arab University); PubMed 22317909 (cited by Faculty of Health Sciences, Beirut Arab University).

NM_006269.2(RP1):c.3428del (p.Asn1143fs)

Gene: RP1 (RP1 axonemal microtubule associated; plus strand). Cytogenetic location: 8q12.1.
Variant type: Deletion.
Coding change: c.3428del on transcript NM_006269.2 (MANE Select); coding-DNA position 3428, one base deleted (A; older notation c.3428delA).
Protein change: p.Asn1143fs; shifts the reading frame from asparagine 1143.
Molecular consequence: frameshift variant. On other transcripts: intron variant (1).
Genome position (GRCh38, 1-based): chr8:54,627,310, A deleted; the last of 2 consecutive A bases (chr8:54,627,309-54,627,310); deleting either gives the same sequence. VCF-style (leftmost placement, unchanged base first): chr8-54627308-GA-G. GRCh37 (hg19) VCF-style: chr8-55539868-GA-G.
Other names: c.787+5022del (NM_001375654.1); short protein forms N1143fs.
Identifiers: ClinVar variation 979006 (VCV000979006.6), dbSNP rs1806088809, ClinGen allele CA1139660537.